The following is an entry in ClinVar:

ClinVar aggregate classification (germline): Uncertain significance (1 of 4 stars; one submission).

Conditions:
EGFR-related lung cancer (EGFR). Identifiers: MedGen CN130014.

Submission:

Labcorp Genetics (formerly Invitae), Labcorp
Classification: Uncertain significance for EGFR-related lung cancer. Last evaluated: 2022-01-26. Review status: criteria provided, single submitter. Criteria: Invitae Variant Classification Sherloc (09022015). Collection method: clinical testing. Allele origin: germline.
Comment: This sequence change replaces serine, which is neutral and polar, with arginine, which is basic and polar, at codon 768 of the EGFR protein (p.Ser768Arg). This variant is not present in population databases (gnomAD no frequency). This variant has not been reported in the literature in individuals affected with EGFR-related conditions. Algorithms developed to predict the effect of missense changes on protein structure and function are either unavailable or do not agree on the potential impact of this missense change (SIFT: "Tolerated"; PolyPhen-2: "Probably Damaging"; Align-GVGD: "Class C0"). In summary, the available evidence is currently insufficient to determine the role of this variant in disease. Therefore, it has been classified as a Variant of Uncertain Significance.

NM_005228.5(EGFR):c.2304C>A (p.Ser768Arg)

Genes: EGFR-AS1 (EGFR antisense RNA 1; minus strand), EGFR (epidermal growth factor receptor; plus strand). Cytogenetic location: 7p11.2.
Variant type: single nucleotide variant.
Coding change: c.2304C>A on transcript NM_005228.5 (MANE Select); coding-DNA position 2304, C replaced by A.
Protein change: p.Ser768Arg; replaces serine 768 with arginine.
Molecular consequence: missense variant. On other transcripts: non-coding transcript variant (1).
Genome position (GRCh38, 1-based): chr7:55,181,313, C>A. VCF-style: chr7-55181313-C-A. GRCh37 (hg19) VCF-style: chr7-55249006-C-A.
Other names: c.2169C>A, p.Ser723Arg (NM_001346897.2, NM_001346899.2); c.2304C>A, p.Ser768Arg (NM_001346898.2); c.2145C>A, p.Ser715Arg (NM_001346900.2); c.1503C>A, p.Ser501Arg (NM_001346941.2); short protein forms S715R, S723R, S501R, S768R.
Identifiers: ClinVar variation 1896958 (VCV001896958.5), dbSNP rs778199483, ClinGen allele CA367578606.